The following is an entry in ClinVar:

ClinVar aggregate classification (germline): Pathogenic (1 of 4 stars; one submission).

Submission:

Labcorp Genetics (formerly Invitae), Labcorp
Classification: Pathogenic. Last evaluated: 2023-06-29. Review status: criteria provided, single submitter. Criteria: Invitae Variant Classification Sherloc (09022015). Collection method: clinical testing. Allele origin: germline.
Comment: For these reasons, this variant has been classified as Pathogenic. This variant has not been reported in the literature in individuals affected with SYNE4-related conditions. This variant is not present in population databases (gnomAD no frequency). This sequence change creates a premature translational stop signal (p.Trp236*) in the SYNE4 gene. It is expected to result in an absent or disrupted protein product. Loss-of-function variants in SYNE4 are known to be pathogenic (PMID: 23348741, 28958982).

Literature cited by the submitters: PubMed 23348741; PubMed 28958982.

NM_001039876.3(SYNE4):c.707G>A (p.Trp236Ter)

Gene: SYNE4 (spectrin repeat containing nuclear envelope family member 4; minus strand). Cytogenetic location: 19q13.12.
Variant type: single nucleotide variant.
Coding change: c.707G>A on transcript NM_001039876.3 (MANE Select); coding-DNA position 707, G replaced by A.
Protein change: p.Trp236Ter; replaces tryptophan 236 with a stop codon.
Molecular consequence: nonsense.
Genome position (GRCh38, 1-based): chr19:36,006,583, C>T on the plus strand (G>A on the coding strand, the complement: SYNE4 is on the minus strand). VCF-style: chr19-36006583-C-T. GRCh37 (hg19) VCF-style: chr19-36497485-C-T.
Other names: c.368G>A, p.Trp123Ter (NM_001297735.3); short protein forms W236*, W123*.
Identifiers: ClinVar variation 2732773 (VCV002732773.3), dbSNP rs2514037668, ClinGen allele CA405432569.
Genomic context (GRCh38, chr19:36,006,583, plus strand): 5'-CCAATGTCCCCCGCCGGATCCCACTCCAACTCTGTGGAAGTGGGGAGGCTACTGGGTGCC[C>T]AGGGCCCCCAGACCCCACCAGGTCCTGGCCAGTCCGAGTCTCCCTCGACCTCCAAGTCCT-3'